The following is an entry in ClinVar:

NM_003816.3(ADAM9):c.1882-4T>C

Gene: ADAM9 (ADAM metallopeptidase domain 9; plus strand). Cytogenetic location: 8p11.22.
Variant type: single nucleotide variant.
Coding change: c.1882-4T>C on transcript NM_003816.3 (MANE Select); 4 bases into the intron before coding-DNA position 1882, T replaced by C.
Molecular consequence: intron variant.
Genome position (GRCh38, 1-based): chr8:39,082,637, T>C. VCF-style: chr8-39082637-T-C. GRCh37 (hg19) VCF-style: chr8-38940156-T-C.
Other names: c.1882-4T>C (NM_003816.2).
Identifiers: ClinVar variation 1633122 (VCV001633122.10), dbSNP rs777947104, ClinGen allele CA4721754.
Genomic context (GRCh38, chr8:39,082,637, plus strand): 5'-TCTGGGTACTTTTTAATGACTGTGCTCAATCTTTCTTTACTTAGTTCATTTTTTTTTTTT[T>C]CAGATCTGTAGAAACTTCCAGTGTGTAGATGCTTCTGTTCTGAATTATGACTGTGATGTT-3'

ClinVar aggregate classification (germline): Likely benign. Review status: criteria provided, single submitter (1 of 4 stars). 2 submissions from 2 submitters: Likely benign (1). 1 of the submissions does not count toward it. Last evaluated 2025-11-25.

Conditions:
ADAM9-related disorder. Also called: ADAM9-related condition.

Allele frequency attached by ClinVar (database versions not stated): ExAC 0.00002; gnomAD exomes 0.00002 and 0.00005; TOPMed 0.00003; gnomAD 0.00005.
gnomAD v4.1: 36 of 1,609,508 alleles (0.0022%); highest among the groups gnomAD compares: Admixed American, 0.023%; no homozygotes.

Submissions (2):

Labcorp Genetics (formerly Invitae), Labcorp
Classification: Likely benign. Last evaluated: 2025-11-25. Review status: criteria provided, single submitter. Criteria: Invitae Variant Classification Sherloc (09022015). Collection method: clinical testing. Allele origin: germline.

PreventionGenetics, part of Exact Sciences
Classification: Likely benign for ADAM9-related condition. Last evaluated: 2019-02-21. Review status: no assertion criteria provided. Collection method: clinical testing. Allele origin: germline. Not counted in ClinVar's aggregate classification.
Comment: This variant is classified as likely benign based on ACMG/AMP sequence variant interpretation guidelines (Richards et al. 2015 PMID: 25741868, with internal and published modifications).